The following is an entry in ClinVar:

NM_145725.3(TRAF3):c.707G>T (p.Arg236Leu)

Gene: TRAF3 (TNF receptor associated factor 3; plus strand). Cytogenetic location: 14q32.32.
Variant type: single nucleotide variant.
Coding change: c.707G>T on transcript NM_145725.3 (MANE Select); coding-DNA position 707, G replaced by T.
Protein change: p.Arg236Leu; replaces arginine 236 with leucine.
Molecular consequence: missense variant. On other transcripts: intron variant (2).
Genome position (GRCh38, 1-based): chr14:102,889,615, G>T. VCF-style: chr14-102889615-G-T. GRCh37 (hg19) VCF-style: chr14-103355952-G-T.
Other names: c.707G>T, p.Arg236Leu (NM_001385142.1, NM_003300.4); c.626G>T, p.Arg209Leu (NM_001385143.1); c.652-1710G>T (NM_145726.3); c.571-7646G>T (NM_001199427.2); short protein forms R209L, R236L.
Identifiers: ClinVar variation 3690333 (VCV003690333.2).

ClinVar aggregate classification (germline): Uncertain significance (1 of 4 stars; one submission).

Conditions:
Immunodeficiency 132A. Also called: Herpes simplex encephalitis, susceptibility to, 3. Identifiers: Orphanet 1930, MedGen C3553868, MONDO:0013920, OMIM 614849.

gnomAD v4.1: 3 of 1,614,058 alleles (0.00019%); highest among the groups gnomAD compares: Non-Finnish European, 0.00017%; no homozygotes.

Submission:

Labcorp Genetics (formerly Invitae), Labcorp
Classification: Uncertain significance for Immunodeficiency 132A. Last evaluated: 2024-07-31. Review status: criteria provided, single submitter. Criteria: Invitae Variant Classification Sherloc (09022015). Collection method: clinical testing. Allele origin: germline.
Comment: This sequence change replaces arginine, which is basic and polar, with leucine, which is neutral and non-polar, at codon 236 of the TRAF3 protein (p.Arg236Leu). This variant is present in population databases (no rsID available, gnomAD 0.0008%). This variant has not been reported in the literature in individuals affected with TRAF3-related conditions. An algorithm developed to predict the effect of missense changes on protein structure and function (PolyPhen-2) suggests that this variant is likely to be disruptive. Algorithms developed to predict the effect of sequence changes on RNA splicing suggest that this variant may disrupt the consensus splice site. In summary, the available evidence is currently insufficient to determine the role of this variant in disease. Therefore, it has been classified as a Variant of Uncertain Significance.